The following is an entry in ClinVar:

NM_001099289.3(SH3RF3):c.490C>A (p.Pro164Thr)

Genes: SH3RF3 (SH3 domain containing ring finger 3; plus strand), SH3RF3-AS1 (SH3RF3 antisense RNA 1; minus strand), RANBP2 (RAN binding protein 2; plus strand). Cytogenetic location: 2q13.
Variant type: single nucleotide variant.
Coding change: c.490C>A on transcript NM_001099289.3 (MANE Select); coding-DNA position 490, C replaced by A.
Protein change: p.Pro164Thr; replaces proline 164 with threonine.
Molecular consequence: missense variant. On other transcripts: non-coding transcript variant (1).
Genome position (GRCh38, 1-based): chr2:109,130,030, C>A. VCF-style: chr2-109130030-C-A. GRCh37 (hg19) VCF-style: chr2-109746486-C-A.
Other names: short protein forms P164T.
Identifiers: ClinVar variation 2305056 (VCV002305056.2), dbSNP rs1231588310, ClinGen allele CA348118823.

ClinVar aggregate classification (germline): Uncertain significance (1 of 4 stars; one submission).

Allele frequency attached by ClinVar (database versions not stated): gnomAD 0.00001; 1000 Genomes Project 30x 0.00016.
gnomAD v4.1: 4 of 1,340,896 alleles (0.0003%); highest among the groups gnomAD compares: South Asian, 0.0058%; no homozygotes.

Submission:

Ambry Genetics
Classification: Uncertain significance. Last evaluated: 2022-08-02. Review status: criteria provided, single submitter. Criteria: Ambry Variant Classification Scheme 2023. Collection method: clinical testing. Allele origin: germline.
Comment: The c.490C>A (p.P164T) alteration is located in exon (coding exon ) of the SH3RF3 gene. This alteration results from a C to A substitution at nucleotide position 490, causing the proline (P) at amino acid position 164 to be replaced by a threonine (T). Based on insufficient or conflicting evidence, the clinical significance of this alteration remains unclear.